The following is an entry in ClinVar:

NM_206933.4(USH2A):c.6118T>G (p.Cys2040Gly)

Gene: USH2A (usherin; minus strand). Cytogenetic location: 1q41.
Variant type: single nucleotide variant.
Coding change: c.6118T>G on transcript NM_206933.4 (MANE Select); coding-DNA position 6118, T replaced by G.
Protein change: p.Cys2040Gly; replaces cysteine 2040 with glycine.
Molecular consequence: missense variant.
Genome position (GRCh38, 1-based): chr1:216,048,579, A>C on the plus strand (T>G on the coding strand, the complement: USH2A is on the minus strand). VCF-style: chr1-216048579-A-C. GRCh37 (hg19) VCF-style: chr1-216221921-A-C.
Other names: short protein forms C2040G.
Identifiers: ClinVar variation 236543 (VCV000236543.12), dbSNP rs878853412, ClinGen allele CA10581641.

ClinVar aggregate classification (germline): Conflicting classifications of pathogenicity. Review status: criteria provided, conflicting classifications (1 of 4 stars). 10 submissions from 10 submitters: Pathogenic (1); Likely pathogenic (1); Uncertain significance (4). 4 of the submissions do not count toward it. Last evaluated 2025-11-20.

Conditions:
USH2A-related disorder. Also called: USH2A-related disorders; USH2A-related condition. Identifiers: MedGen CN239332.
Retinal dystrophy. Also called: Inherited retinal dystrophy. Identifiers: Orphanet 71862, MedGen C0854723, MeSH D058499, MONDO:0019118, HP:0000556.
Retinitis pigmentosa 39 (RP39). Identifiers: Orphanet 791, MedGen C3151138, MONDO:0013436, OMIM 613809.
Usher syndrome type 2A. Also called: USHER SYNDROME, TYPE IIA; RETINAL DISEASE IN USHER SYNDROME TYPE IIA, MODIFIER OF. Identifiers: Orphanet 231178, Orphanet 886, MedGen C1848634, MONDO:0010169, OMIM 276901.
Retinitis pigmentosa (RP). Identifiers: Orphanet 791, MedGen C0035334, MeSH D012174, MONDO:0019200, OMIM 268000. Inheritance: Autosomal dominant, autosomal recessive and X linked inheritance.

Allele frequency attached by ClinVar (database versions not stated): gnomAD exomes 0.00002; TOPMed 0.00002.
gnomAD v4.1: 33 of 1,614,144 alleles (0.002%); highest among the groups gnomAD compares: Non-Finnish European, 0.0028%; no homozygotes.

Submissions (10):

Myriad Genetics, Inc.
Classification: Uncertain significance for USH2A-related disorder. Last evaluated: 2025-11-20. Review status: criteria provided, single submitter. Criteria: Myriad Autosomal Dominant, Autosomal Recessive and X-Linked Classification Criteria (2023). Collection method: clinical testing. Allele origin: unknown.
Comment: NM_206933.2(USH2A):c.6118T>G(C2040G) is a missense variant classified as a variant of uncertain significance in the context of USH2A-related disorders. C2040G has been observed in cases with relevant disease (PMID: 27208204, 28041643, 36011334). Relevant functional assessments of this variant are not available in the literature. C2040G has not been observed in referenced population frequency databases. In summary, there is insufficient evidence to classify NM_206933.2(USH2A):c.6118T>G(C2040G) as pathogenic or benign. Please note: this variant was assessed in the context of healthy population screening.

GeneDx
Classification: Uncertain significance. Last evaluated: 2024-07-15. Review status: criteria provided, single submitter. Criteria: GeneDx Variant Classification Process June 2021. Collection method: clinical testing. Allele origin: germline. Affected: yes.
Comment: Not observed at significant frequency in large population cohorts (gnomAD); In silico analysis supports that this missense variant has a deleterious effect on protein structure/function; This variant is associated with the following publications: (PMID: 27208204, 28041643, 38219857, 35266249)

Baylor Genetics
Classification: Likely pathogenic for Retinitis pigmentosa 39. Last evaluated: 2023-10-18. Review status: criteria provided, single submitter. Criteria: ACMG Guidelines, 2015. Collection method: clinical testing. Allele origin: unknown.

Labcorp Genetics (formerly Invitae), Labcorp
Classification: Uncertain significance. Last evaluated: 2022-02-08. Review status: criteria provided, single submitter. Criteria: Invitae Variant Classification Sherloc (09022015). Collection method: clinical testing. Allele origin: germline.
Comment: This sequence change replaces cysteine, which is neutral and slightly polar, with glycine, which is neutral and non-polar, at codon 2040 of the USH2A protein (p.Cys2040Gly). This variant is not present in population databases (gnomAD no frequency). This missense change has been observed in individual(s) with retinitis pigmentosa (PMID: 27208204, 28041643). ClinVar contains an entry for this variant (Variation ID: 236543). Algorithms developed to predict the effect of missense changes on protein structure and function (SIFT, PolyPhen-2, Align-GVGD) all suggest that this variant is likely to be disruptive. In summary, the available evidence is currently insufficient to determine the role of this variant in disease. Therefore, it has been classified as a Variant of Uncertain Significance.

Blueprint Genetics
Classification: Pathogenic for USH2A-related disorders. Last evaluated: 2021-07-01. Review status: criteria provided, single submitter. Criteria: ACMG Guidelines, 2015. Collection method: clinical testing. Allele origin: germline. Affected: yes. Observed: 4 variant alleles.

Eurofins Ntd Llc (ga)
Classification: Uncertain significance. Last evaluated: 2016-03-16. Review status: criteria provided, single submitter. Criteria: EGL Classification Definitions 2015. Collection method: clinical testing. Allele origin: germline. Observed: 3 variant alleles, 3 heterozygotes.

Natera, Inc.
Classification: Uncertain significance for Usher syndrome type 2A. Last evaluated: 2021-09-27. Review status: no assertion criteria provided. Collection method: clinical testing. Allele origin: germline. Not counted in ClinVar's aggregate classification.

Counsyl
Classification: Uncertain significance for Usher syndrome type 2A; Retinitis pigmentosa 39. Last evaluated: 2017-09-24. Review status: no assertion criteria provided. Collection method: clinical testing. Allele origin: unknown. Not counted in ClinVar's aggregate classification.

NIHR Bioresource Rare Diseases, University of Cambridge
Classification: Uncertain significance for Retinitis pigmentosa. Last evaluated: 2015-01-01. Review status: no assertion criteria provided. Collection method: research. Allele origin: unknown. Affected: yes. Observed: 1 variant allele. Not counted in ClinVar's aggregate classification.

Centre for Genomic Medicine, Manchester, Central Manchester University Hospitals
Classification: Uncertain significance for Retinal dystrophy. Review status: no assertion criteria provided. Collection method: clinical testing. Allele origin: germline. Affected: yes. Not counted in ClinVar's aggregate classification.

Literature cited by the submitters: PubMed 27208204 (cited by 3 submitters); PubMed 28041643 (cited by 4 submitters); PubMed 36011334 (cited by Myriad Genetics, Inc.).